The following is an entry in ClinVar:

NC_000001.10:g.(?_44360035)_(44482805_?)del

Genes: ST3GAL3 (ST3 beta-galactoside alpha-2,3-sialyltransferase 3; plus strand), DPH2 (diphthamide biosynthesis 2; plus strand), IPO13 (importin 13; plus strand), SLC6A9 (solute carrier family 6 member 9; minus strand), ARTN (artemin; plus strand) and 3 more. Cytogenetic location: 1p34.1.
Variant type: Deletion.
Identifiers: ClinVar variation 1515804 (VCV001515804.8).

ClinVar aggregate classification (germline): Likely pathogenic (1 of 4 stars; one submission).

Conditions:
Developmental and epileptic encephalopathy. Identifiers: MedGen C5779964, MONDO:0100620.

Submission:

Labcorp Genetics (formerly Invitae), Labcorp
Classification: Likely pathogenic for Early-infantile DEE. Last evaluated: 2022-02-04. Review status: criteria provided, single submitter. Criteria: Invitae Variant Classification Sherloc (09022015). Collection method: clinical testing. Allele origin: germline.
Comment: This variant disrupts the p.Ala320 amino acid residue in ST3GAL3. Other variant(s) that disrupt this residue have been determined to be pathogenic (PMID: 23252400). This suggests that this residue is clinically significant, and that variants that disrupt this residue are likely to be disease-causing. In summary, the currently available evidence indicates that the variant is pathogenic, but additional data are needed to prove that conclusively. Therefore, this variant has been classified as Likely Pathogenic. This variant has not been reported in the literature in individuals affected with ST3GAL3-related conditions. This variant is a gross deletion of the genomic region encompassing exon(s) 6-12 of the ST3GAL3 gene, which includes the termination codon. This deletion extends beyond the assayed region for this gene and therefore may encompass additional genes. While this deletion is not anticipated to lead to nonsense mediated decay, it is expected to alter mRNA translation or result in a truncated protein product.

Literature cited by the submitters: PubMed 23252400.